The following is an entry in ClinVar:

NM_000051.4(ATM):c.7515+4A>G

Genes: ATM (ATM serine/threonine kinase; plus strand), C11orf65 (chromosome 11 open reading frame 65; minus strand). Cytogenetic location: 11q22.3.
Variant type: single nucleotide variant.
Coding change: c.7515+4A>G on transcript NM_000051.4 (MANE Select); 4 bases into the intron after coding-DNA position 7515, A replaced by G.
Molecular consequence: intron variant.
Genome position (GRCh38, 1-based): chr11:108,330,425, A>G. VCF-style: chr11-108330425-A-G. GRCh37 (hg19) VCF-style: chr11-108201152-A-G.
Other names: c.7515+4A>G (NM_001351834.2); c.641-21354T>C (NM_001330368.2); c.*38+4795T>C (NM_001351110.2).
Identifiers: ClinVar variation 581474 (VCV000581474.7), dbSNP rs1565530434, ClinGen allele CA891842774.

ClinVar aggregate classification (germline): Uncertain significance (1 of 4 stars; one submission).

Conditions:
Ataxia-telangiectasia syndrome (AT). Also called: Cerebello-oculocutaneous telangiectasia; Immunodeficiency with ataxia telangiectasia; Ataxia-telangiectasia, complementation group E; Ataxia-telangiectasia, complementation group D; AT, COMPLEMENTATION GROUP C; ATAXIA-TELANGIECTASIA, COMPLEMENTATION GROUP A. Identifiers: Orphanet 100, MedGen C0004135, MONDO:0008840, OMIM 208900.

Submission:

Labcorp Genetics (formerly Invitae), Labcorp
Classification: Uncertain significance for Ataxia-telangiectasia syndrome. Last evaluated: 2018-05-14. Review status: criteria provided, single submitter. Criteria: Invitae Variant Classification Sherloc (09022015). Collection method: clinical testing. Allele origin: germline.
Comment: In summary, the available evidence is currently insufficient to determine the role of this variant in disease. Therefore, it has been classified as a Variant of Uncertain Significance. Nucleotide substitutions within the consensus splice site are a relatively common cause of aberrant splicing (PMID: 17576681, 9536098). Algorithms developed to predict the effect of sequence changes on RNA splicing suggest that this variant is not likely to affect RNA splicing, but this prediction has not been confirmed by published transcriptional studies. This variant has not been reported in the literature in individuals with ATM-related disease. This variant is not present in population databases (ExAC no frequency). This sequence change falls in intron 50 of the ATM gene. It does not directly change the encoded amino acid sequence of the ATM protein, but it affects a nucleotide within the consensus splice site of the intron.

Literature cited by the submitters: PubMed 17576681; PubMed 9536098.